The following is an entry in ClinVar:

NM_001375524.1(TRRAP):c.6653C>T (p.Ala2218Val)

Gene: TRRAP (transformation/transcription domain associated protein; plus strand). Cytogenetic location: 7q22.1.
Variant type: single nucleotide variant.
Coding change: c.6653C>T on transcript NM_001375524.1 (MANE Select); coding-DNA position 6653, C replaced by T.
Protein change: p.Ala2218Val; replaces alanine 2218 with valine.
Molecular consequence: missense variant.
Genome position (GRCh38, 1-based): chr7:98,961,424, C>T. VCF-style: chr7-98961424-C-T. GRCh37 (hg19) VCF-style: chr7-98559047-C-T.
Other names: c.6632C>T (NM_001244580.1); c.6632C>T, p.Ala2211Val (NM_001244580.2); c.6578C>T, p.Ala2193Val (NM_003496.4); short protein forms A2193V, A2218V, A2211V.
Identifiers: ClinVar variation 3016945 (VCV003016945.4), dbSNP rs145340454, ClinGen allele CA4360924.

ClinVar aggregate classification (germline): Conflicting classifications of pathogenicity. Review status: criteria provided, conflicting classifications (1 of 4 stars). 2 submissions from 2 submitters: Uncertain significance (1); Likely benign (1). Last evaluated 2025-01-22.

Conditions:
Inborn genetic diseases. Identifiers: MedGen C0950123, MeSH D030342.

Allele frequency attached by ClinVar (database versions not stated): gnomAD exomes 0.00001; ExAC 0.00005; TOPMed 0.00010; gnomAD 0.00013; ESP Exome Variant Server 0.00015; 1000 Genomes Project 0.00020; 1000 Genomes Project 30x 0.00031.
gnomAD v4.1: 31 of 1,614,234 alleles (0.0019%); highest among the groups gnomAD compares: African/African-American, 0.035%; no homozygotes.

Submissions (2):

Labcorp Genetics (formerly Invitae), Labcorp
Classification: Uncertain significance. Last evaluated: 2025-01-22. Review status: criteria provided, single submitter. Criteria: Invitae Variant Classification Sherloc (09022015). Collection method: clinical testing. Allele origin: germline.
Comment: This sequence change replaces alanine, which is neutral and non-polar, with valine, which is neutral and non-polar, at codon 2193 of the TRRAP protein (p.Ala2193Val). This variant is present in population databases (rs145340454, gnomAD 0.05%). This variant has not been reported in the literature in individuals affected with TRRAP-related conditions. ClinVar contains an entry for this variant (Variation ID: 3016945). Invitae Evidence Modeling of protein sequence and biophysical properties (such as structural, functional, and spatial information, amino acid conservation, physicochemical variation, residue mobility, and thermodynamic stability) indicates that this missense variant is not expected to disrupt TRRAP protein function with a negative predictive value of 80%. In summary, the available evidence is currently insufficient to determine the role of this variant in disease. Therefore, it has been classified as a Variant of Uncertain Significance.

Ambry Genetics
Classification: Likely benign for Inborn genetic diseases. Last evaluated: 2023-09-23. Review status: criteria provided, single submitter. Criteria: Ambry Variant Classification Scheme 2023. Collection method: clinical testing. Allele origin: germline.